The following is an entry in ClinVar:

ClinVar aggregate classification (germline): Uncertain significance (1 of 4 stars; one submission).

Allele frequency attached by ClinVar (database versions not stated): gnomAD exomes below 0.00001; TOPMed 0.00001.
gnomAD v4.1: 1 of 1,614,224 alleles (0.000062%); highest among the groups gnomAD compares: Admixed American, 0.0017%; no homozygotes.

Submission:

Ambry Genetics
Classification: Uncertain significance. Last evaluated: 2020-10-01. Review status: criteria provided, single submitter. Criteria: Ambry Variant Classification Scheme 2023. Collection method: clinical testing. Allele origin: germline.
Comment: The p.A1035V variant (also known as c.3104C>T), located in coding exon 27 of the IKBKAP gene, results from a C to T substitution at nucleotide position 3104. The alanine at codon 1035 is replaced by valine, an amino acid with similar properties. This amino acid position is highly conserved in available vertebrate species. In addition, the in silico prediction for this alteration is inconclusive. Since supporting evidence is limited at this time, the clinical significance of this alteration remains unclear.

NM_003640.5(ELP1):c.3104C>T (p.Ala1035Val)

Gene: ELP1 (elongator acetyltransferase complex subunit 1; minus strand). Cytogenetic location: 9q31.3.
Variant type: single nucleotide variant.
Coding change: c.3104C>T on transcript NM_003640.5 (MANE Select); coding-DNA position 3104, C replaced by T.
Protein change: p.Ala1035Val; replaces alanine 1035 with valine.
Molecular consequence: missense variant.
Genome position (GRCh38, 1-based): chr9:108,891,259, G>A on the plus strand (C>T on the coding strand, the complement: ELP1 is on the minus strand). VCF-style: chr9-108891259-G-A. GRCh37 (hg19) VCF-style: chr9-111653539-G-A.
Other names: c.2762C>T, p.Ala921Val (NM_001318360.2); c.2057C>T, p.Ala686Val (NM_001330749.2); short protein forms A1035V, A686V, A921V.
Identifiers: ClinVar variation 1800103 (VCV001800103.2), dbSNP rs1211729866, ClinGen allele CA374416486.
Genomic context (GRCh38, chr9:108,891,259, plus strand): 5'-TTACCTGCCAGAGTTCTGCCGAGGCCCACCAGCTGGTCTTTGGTAAAGTTAAGCTGGGCT[G>A]CCACACAGAGGGCTTGCTTCCAGTTGCCACATGTCAGAAAGGCTGAGAGAGCTTTCTCGT-3'
Protein context (NP_003631.2, residues 1025-1045): CGNWKQALCV[Ala1035Val]AQLNFTKDQL